The following is an entry in ClinVar:

ClinVar aggregate classification (germline): Pathogenic. Review status: criteria provided, multiple submitters, no conflicts (2 of 4 stars). 2 submissions from 2 submitters: Pathogenic (2). Last evaluated 2026-06-02.

Conditions:
Cardiovascular phenotype. Identifiers: MedGen CN230736.
Arrhythmogenic cardiomyopathy with wooly hair and keratoderma. Also called: Arrhythmogenic cardiomyopathy with woolly hair and keratoderma; PALMOPLANTAR KERATODERMA WITH LEFT VENTRICULAR CARDIOMYOPATHY AND WOOLLY HAIR; Carvajal syndrome; Dilated cardiomyopathy with woolly hair and keratoderma. Identifiers: Orphanet 65282, MedGen C1854063, MONDO:0011581, OMIM 605676.
Arrhythmogenic right ventricular dysplasia 8 (ARVD8). Also called: Arrhythmogenic Right Ventricular Dysplasia/Cardiomyopathy 8; ARRHYTHMOGENIC RIGHT VENTRICULAR DYSPLASIA, FAMILIAL, 8; ARRHYTHMOGENIC RIGHT VENTRICULAR CARDIOMYOPATHY 8. Identifiers: MedGen C1843896, MONDO:0011831, OMIM 607450.

Submissions (2):

Ambry Genetics
Classification: Pathogenic for Cardiovascular phenotype. Last evaluated: 2026-06-02. Review status: criteria provided, single submitter. Criteria: Ambry Variant Classification Scheme 2023. Collection method: clinical testing. Allele origin: germline.
Comment: The c.5154delG pathogenic mutation, located in coding exon 23 of the DSP gene, results from a deletion of one nucleotide at nucleotide position 5154, causing a translational frameshift with a predicted alternate stop codon (p.M1719Cfs*2). This variant is considered to be rare based on population cohorts in the Genome Aggregation Database (gnomAD). This alteration is expected to result in loss of function by premature protein truncation or nonsense-mediated mRNA decay. As such, this alteration is interpreted as a disease-causing mutation.

Labcorp Genetics (formerly Invitae), Labcorp
Classification: Pathogenic for Arrhythmogenic cardiomyopathy with wooly hair and keratoderma; Arrhythmogenic right ventricular dysplasia 8. Last evaluated: 2024-05-01. Review status: criteria provided, single submitter. Criteria: Invitae Variant Classification Sherloc (09022015). Collection method: clinical testing. Allele origin: germline.
Comment: This sequence change creates a premature translational stop signal (p.Met1719Cysfs*2) in the DSP gene. It is expected to result in an absent or disrupted protein product. Loss-of-function variants in DSP are known to be pathogenic (PMID: 20716751, 24503780, 25227139). This variant is not present in population databases (gnomAD no frequency). This variant has not been reported in the literature in individuals affected with DSP-related conditions. For these reasons, this variant has been classified as Pathogenic.

Literature cited by the submitters: PubMed 20716751 (cited by Labcorp Genetics (formerly Invitae), Labcorp); PubMed 24503780 (cited by Labcorp Genetics (formerly Invitae), Labcorp); PubMed 25227139 (cited by Labcorp Genetics (formerly Invitae), Labcorp).

NM_004415.4(DSP):c.5154del (p.Met1719fs)

Gene: DSP (desmoplakin; plus strand). Cytogenetic location: 6p24.3.
Variant type: Deletion.
Coding change: c.5154del on transcript NM_004415.4 (MANE Select); coding-DNA position 5154, one base deleted (G; older notation c.5154delG).
Protein change: p.Met1719fs; shifts the reading frame from methionine 1719.
Molecular consequence: frameshift variant. On other transcripts: intron variant (2).
Genome position (GRCh38, 1-based): chr6:7,581,344, G deleted. VCF-style (leftmost placement, unchanged base first): chr6-7581343-TG-T. GRCh37 (hg19) VCF-style: chr6-7581576-TG-T.
Other names: c.4050+1104del (NM_001319034.2); c.3583-1298del (NM_001008844.3); short protein forms M1719fs.
Identifiers: ClinVar variation 2942799 (VCV002942799.4), dbSNP rs2533931834, ClinGen allele CA2740090887.
Genomic context (GRCh38, chr6:7,581,343, plus strand): 5'-AAAGCAAAATAGAAATTGAGAGGCTGCAGTCTCTCACAGAGAACCTGACCAAGGAGCACT[TG>T]ATGTTAGAAGAAGAACTGCGGAACCTGAGGCTGGAGTACGATGACCTGAGGAGAGGACGA-3'